The following is an entry in ClinVar:

ClinVar aggregate classification (germline): Uncertain significance (1 of 4 stars; one submission).

Allele frequency attached by ClinVar (database versions not stated): gnomAD 0.00007; ExAC 0.00018.
gnomAD v4.1: 185 of 1,523,098 alleles (0.012%); highest among the groups gnomAD compares: Admixed American, 0.067%; no homozygotes.

Submission:

Mayo Clinic Laboratories, Mayo Clinic
Classification: Uncertain significance. Last evaluated: 2023-02-28. Review status: criteria provided, single submitter. Criteria: ACMG Guidelines, 2015. Collection method: clinical testing. Allele origin: germline. Observed: 4 variant alleles.
Comment: BP4_strong

NM_001142864.4(PIEZO1):c.4382G>A (p.Arg1461Gln)

Gene: PIEZO1 (piezo type mechanosensitive ion channel component 1 (Er blood group); minus strand). Cytogenetic location: 16q24.3.
Variant type: single nucleotide variant.
Coding change: c.4382G>A on transcript NM_001142864.4 (MANE Select); coding-DNA position 4382, G replaced by A.
Protein change: p.Arg1461Gln; replaces arginine 1461 with glutamine.
Molecular consequence: missense variant.
Genome position (GRCh38, 1-based): chr16:88,723,282, C>T on the plus strand (G>A on the coding strand, the complement: PIEZO1 is on the minus strand). VCF-style: chr16-88723282-C-T. GRCh37 (hg19) VCF-style: chr16-88789690-C-T.
Other names: p.Arg1461Gln; c.2924G>A, p.Arg975Gln (NM_014745.1); short protein forms R1461Q, R975Q.
Identifiers: ClinVar variation 2683390 (VCV002683390.1), dbSNP rs751127779, ClinGen allele CA8232165.